The following is an entry in ClinVar:

ClinVar aggregate classification (germline): Conflicting classifications of pathogenicity. Review status: criteria provided, conflicting classifications (1 of 4 stars). 5 submissions from 5 submitters: Likely pathogenic (1); Uncertain significance (3). 1 of the submissions does not count toward it. Last evaluated 2023-02-21.

Conditions:
Inborn genetic diseases. Identifiers: MedGen C0950123, MeSH D030342.
Hereditary spastic paraplegia 3A (SPG3A). Also called: SPASTIC PARAPLEGIA 3, AUTOSOMAL DOMINANT; FAMILIAL SPASTIC PARAPLEGIA, AUTOSOMAL DOMINANT, 1; SPG3; STRUMPELL DISEASE; Spastic paraplegia 3A, autosomal dominant; Spastic Paraplegia 3A. Identifiers: Orphanet 100984, MedGen C2931355, MONDO:0008437, OMIM 182600.

Allele frequency attached by ClinVar (database versions not stated): gnomAD 0.00001; gnomAD exomes 0.00002.
gnomAD v4.1: 26 of 1,614,056 alleles (0.0016%); highest among the groups gnomAD compares: Non-Finnish European, 0.002%; no homozygotes.

Submissions (5):

ARUP Laboratories, Molecular Genetics and Genomics, ARUP Laboratories
Classification: Uncertain significance. Last evaluated: 2023-02-21. Review status: criteria provided, single submitter. Criteria: ARUP Molecular Germline Variant Investigation Process 2024. Collection method: clinical testing. Allele origin: germline.
Comment: The ATL1 c.1247G>A; p.Arg416His variant (rs1395551564) is reported in an individual with hereditary spastic paraplegia with cerebellar involvement and in the patient's father who had an amyotrophic lateral sclerosis-like syndrome (de Leva 2010). This variant is also reported in ClinVar (Variation ID: 858305). It is only found on one allele in the Genome Aggregation Database, indicating it is not a common polymorphism. Computational analyses are uncertain whether this variant is neutral or deleterious (REVEL: 0.631). Due to limited information, the clinical significance of this variant is uncertain at this time. References: de Leva MF et al. Complex phenotype in an Italian family with a novel mutation in SPG3A. J Neurol. 2010 Mar;257(3):328-31. PMID: 19768483.

Labcorp Genetics (formerly Invitae), Labcorp
Classification: Uncertain significance for Hereditary spastic paraplegia 3A. Last evaluated: 2021-10-28. Review status: criteria provided, single submitter. Criteria: Invitae Variant Classification Sherloc (09022015). Collection method: clinical testing. Allele origin: germline.
Comment: Algorithms developed to predict the effect of missense changes on protein structure and function are either unavailable or do not agree on the potential impact of this missense change (SIFT: "Deleterious"; PolyPhen-2: "Benign"; Align-GVGD: "Class C0"). In summary, the available evidence is currently insufficient to determine the role of this variant in disease. Therefore, it has been classified as a Variant of Uncertain Significance. This variant disrupts the p.Arg416 amino acid residue in ATL1. Other variant(s) that disrupt this residue have been determined to be pathogenic (PMID: 21336785, 22581552, 29980238). This suggests that this residue is clinically significant, and that variants that disrupt this residue are likely to be disease-causing. ClinVar contains an entry for this variant (Variation ID: 858305). This missense change has been observed in individual(s) with hereditary spastic paraplegia (PMID: 19768483). This variant is present in population databases (no rsID available, gnomAD 0.007%). This sequence change replaces arginine, which is basic and polar, with histidine, which is basic and polar, at codon 416 of the ATL1 protein (p.Arg416His).

Ambry Genetics
Classification: Uncertain significance for Inborn genetic diseases. Last evaluated: 2019-12-27. Review status: criteria provided, single submitter. Criteria: Ambry Variant Classification Scheme 2023. Collection method: clinical testing. Allele origin: germline.
Comment: The p.R416H variant (also known as c.1247G>A), located in coding exon 12 of the ATL1 gene, results from a G to A substitution at nucleotide position 1247. The arginine at codon 416 is replaced by histidine, an amino acid with highly similar properties. This amino acid position is well conserved in available vertebrate species. In addition, this alteration is predicted to be deleterious by in silico analysis. Since supporting evidence is limited at this time, the clinical significance of this alteration remains unclear. .

GeneDx
Classification: Likely pathogenic. Last evaluated: 2019-01-02. Review status: criteria provided, single submitter. Criteria: GeneDx Variant Classification Process June 2021. Collection method: clinical testing. Allele origin: germline. Affected: yes.
Comment: In silico analysis, which includes protein predictors and evolutionary conservation, supports a deleterious effect; Not observed at a significant frequency in large population cohorts (Lek et al., 2016); This variant is associated with the following publications: (PMID: 19768483)

Inherited Neuropathy Consortium Ii, University Of Miami
Classification: Uncertain significance for Hereditary spastic paraplegia 3A. Last evaluated: 2016-01-06. Review status: no assertion criteria provided. Collection method: literature only. Allele origin: germline. Affected: yes. Not counted in ClinVar's aggregate classification.

Literature cited by the submitters: PubMed 21336785 (cited by Labcorp Genetics (formerly Invitae), Labcorp); PubMed 22581552 (cited by Labcorp Genetics (formerly Invitae), Labcorp); PubMed 29980238 (cited by Labcorp Genetics (formerly Invitae), Labcorp); PubMed 19768483 (cited by Labcorp Genetics (formerly Invitae), Labcorp and Ambry Genetics); PubMed 21494555 (cited by Inherited Neuropathy Consortium Ii, University Of Miami).

NM_015915.5(ATL1):c.1247G>A (p.Arg416His)

Gene: ATL1 (atlastin GTPase 1; plus strand). Cytogenetic location: 14q22.1.
Variant type: single nucleotide variant.
Coding change: c.1247G>A on transcript NM_015915.5 (MANE Select); coding-DNA position 1247, G replaced by A.
Protein change: p.Arg416His; replaces arginine 416 with histidine.
Molecular consequence: missense variant.
Genome position (GRCh38, 1-based): chr14:50,628,158, G>A. VCF-style: chr14-50628158-G-A. GRCh37 (hg19) VCF-style: chr14-51094876-G-A.
Other names: c.1247G>A, p.Arg416His (NM_001127713.1, NM_181598.4); short protein forms R416H.
Identifiers: ClinVar variation 858305 (VCV000858305.14), dbSNP rs1395551564, ClinGen allele CA389675855.